The following is an entry in ClinVar:

ClinVar aggregate classification (germline): Uncertain significance. Review status: criteria provided, multiple submitters, no conflicts (2 of 4 stars). 2 submissions from 2 submitters: Uncertain significance (2). Last evaluated 2025-08-11.

Conditions:
DOCK2 deficiency. Also called: Immunodeficiency 40. Identifiers: Orphanet 447737, MedGen C4225328, MONDO:0014637, OMIM 616433.
Inborn genetic diseases. Identifiers: MedGen C0950123, MeSH D030342.

Allele frequency attached by ClinVar (database versions not stated): ExAC 0.00001; gnomAD exomes 0.00001.
gnomAD v4.1: 6 of 1,614,022 alleles (0.00037%); highest among the groups gnomAD compares: Non-Finnish European, 0.00042%; no homozygotes.

Submissions (2):

Ambry Genetics
Classification: Uncertain significance for Inborn genetic diseases. Last evaluated: 2025-08-11. Review status: criteria provided, single submitter. Criteria: Ambry Variant Classification Scheme 2023. Collection method: clinical testing. Allele origin: germline.

Labcorp Genetics (formerly Invitae), Labcorp
Classification: Uncertain significance for DOCK2 deficiency. Last evaluated: 2020-08-23. Review status: criteria provided, single submitter. Criteria: Invitae Variant Classification Sherloc (09022015). Collection method: clinical testing. Allele origin: germline.
Comment: In summary, the available evidence is currently insufficient to determine the role of this variant in disease. Therefore, it has been classified as a Variant of Uncertain Significance. Algorithms developed to predict the effect of missense changes on protein structure and function output the following: SIFT: "Tolerated"; PolyPhen-2: "Benign"; Align-GVGD: "Class C0". The glutamic acid amino acid residue is found in multiple mammalian species, suggesting that this missense change does not adversely affect protein function. These predictions have not been confirmed by published functional studies and their clinical significance is uncertain. This variant has not been reported in the literature in individuals with DOCK2-related conditions. This variant is present in population databases (rs772725332, ExAC 0.002%). This sequence change replaces glutamine with glutamic acid at codon 1120 of the DOCK2 protein (p.Gln1120Glu). The glutamine residue is moderately conserved and there is a small physicochemical difference between glutamine and glutamic acid.

NM_004946.3(DOCK2):c.3358C>G (p.Gln1120Glu)

Gene: DOCK2 (dedicator of cytokinesis 2; plus strand). Cytogenetic location: 5q35.1.
Variant type: single nucleotide variant.
Coding change: c.3358C>G on transcript NM_004946.3 (MANE Select); coding-DNA position 3358, C replaced by G.
Protein change: p.Gln1120Glu; replaces glutamine 1120 with glutamic acid.
Molecular consequence: missense variant. On other transcripts: non-coding transcript variant (1).
Genome position (GRCh38, 1-based): chr5:170,019,085, C>G. VCF-style: chr5-170019085-C-G. GRCh37 (hg19) VCF-style: chr5-169446089-C-G.
Other names: c.3358C>G (NM_004946.2); short protein forms Q1120E.
Identifiers: ClinVar variation 1035804 (VCV001035804.9), dbSNP rs772725332, ClinGen allele CA3554178.